The following is an entry in ClinVar:

ClinVar aggregate classification (germline): Uncertain significance (1 of 4 stars; one submission).

Submission:

GeneDx
Classification: Uncertain significance. Last evaluated: 2026-03-14. Review status: criteria provided, single submitter. Criteria: GeneDx Variant Classification Process June 2021. Collection method: clinical testing. Allele origin: germline.
Comment: Not observed at significant frequency in large population cohorts (gnomAD); In silico analysis supports that this missense variant has a deleterious effect on protein structure/function; Has not been previously published as pathogenic or benign to our knowledge

NM_000701.8(ATP1A1):c.2366C>G (p.Pro789Arg)

Genes: ATP1A1 (ATPase Na+/K+ transporting subunit alpha 1; plus strand), ATP1A1-AS1 (ATP1A1 antisense RNA 1; minus strand). Cytogenetic location: 1p13.1.
Variant type: single nucleotide variant.
Coding change: c.2366C>G on transcript NM_000701.8 (MANE Select); coding-DNA position 2366, C replaced by G.
Protein change: p.Pro789Arg; replaces proline 789 with arginine.
Molecular consequence: missense variant. On other transcripts: non-coding transcript variant (1).
Genome position (GRCh38, 1-based): chr1:116,399,002, C>G. VCF-style: chr1-116399002-C-G. GRCh37 (hg19) VCF-style: chr1-116941624-C-G.
Other names: c.2366C>G, p.Pro789Arg (NM_001160233.2); c.2273C>G, p.Pro758Arg (NM_001160234.2); short protein forms P758R, P789R.
Identifiers: ClinVar variation 5009157 (VCV005009157.1).
Genomic context (GRCh38, chr1:116,399,002, plus strand): 5'-TTGATAACTTGAAGAAATCCATTGCTTATACCTTAACCAGTAACATTCCCGAGATCACCC[C>G]GTTCCTGATATTTATTATTGCAAACATTCCACTACCACTGGGGACTGTCACCATCCTCTG-3'
Protein context (NP_000692.2, residues 779-799): TLTSNIPEIT[Pro789Arg]FLIFIIANIP